The following is an entry in ClinVar:

ClinVar aggregate classification (germline): Uncertain significance. Review status: criteria provided, multiple submitters, no conflicts (2 of 4 stars). 2 submissions from 2 submitters: Uncertain significance (2). Last evaluated 2024-03-05.

Conditions:
Hereditary cancer-predisposing syndrome. Also called: Hereditary neoplastic syndrome; Neoplastic Syndromes, Hereditary; Hereditary Cancer Syndrome; Tumor predisposition. Identifiers: Orphanet 140162, MedGen C0027672, MeSH D009386, MONDO:0015356.
Renal cell carcinoma. Identifiers: Orphanet 217071, MedGen C0007134, MeSH D002292, MONDO:0005086, HP:0005584.

Allele frequency attached by ClinVar (database versions not stated): gnomAD exomes below 0.00001.
gnomAD v4.1: 4 of 1,614,106 alleles (0.00025%); highest among the groups gnomAD compares: South Asian, 0.0011%; no homozygotes.

Submissions (2):

Ambry Genetics
Classification: Uncertain significance for Hereditary cancer-predisposing syndrome. Last evaluated: 2024-03-05. Review status: criteria provided, single submitter. Criteria: Ambry Variant Classification Scheme 2023. Collection method: clinical testing. Allele origin: germline.
Comment: The p.V603I variant (also known as c.1807G>A), located in coding exon 5 of the MET gene, results from a G to A substitution at nucleotide position 1807. The valine at codon 603 is replaced by isoleucine, an amino acid with highly similar properties. This amino acid position is conserved. In addition, this alteration is predicted to be tolerated by in silico analysis. Based on the available evidence, the clinical significance of this alteration remains unclear.

Labcorp Genetics (formerly Invitae), Labcorp
Classification: Uncertain significance for Renal cell carcinoma. Last evaluated: 2020-11-23. Review status: criteria provided, single submitter. Criteria: Invitae Variant Classification Sherloc (09022015). Collection method: clinical testing. Allele origin: germline.
Comment: In summary, the available evidence is currently insufficient to determine the role of this variant in disease. Therefore, it has been classified as a Variant of Uncertain Significance. Algorithms developed to predict the effect of missense changes on protein structure and function output the following: SIFT: "Deleterious"; PolyPhen-2: "Benign"; Align-GVGD: "Class C0". The isoleucine amino acid residue is found in multiple mammalian species, suggesting that this missense change does not adversely affect protein function. These predictions have not been confirmed by published functional studies and their clinical significance is uncertain. This variant has not been reported in the literature in individuals with MET-related conditions. This variant is not present in population databases (ExAC no frequency). This sequence change replaces valine with isoleucine at codon 603 of the MET protein (p.Val603Ile). The valine residue is highly conserved and there is a small physicochemical difference between valine and isoleucine.

NM_000245.4(MET):c.1807G>A (p.Val603Ile)

Gene: MET (MET proto-oncogene, receptor tyrosine kinase; plus strand). Cytogenetic location: 7q31.2.
Variant type: single nucleotide variant.
Coding change: c.1807G>A on transcript NM_000245.4 (MANE Select); coding-DNA position 1807, G replaced by A.
Protein change: p.Val603Ile; replaces valine 603 with isoleucine.
Molecular consequence: missense variant.
Genome position (GRCh38, 1-based): chr7:116,755,460, G>A. VCF-style: chr7-116755460-G-A. GRCh37 (hg19) VCF-style: chr7-116395514-G-A.
Other names: c.1807G>A, p.Val603Ile (NM_001127500.3, NM_001324401.3); c.517G>A, p.Val173Ile (NM_001324402.2); c.1807G>A (NM_001127500.1); short protein forms V173I, V603I.
Identifiers: ClinVar variation 1487766 (VCV001487766.9), dbSNP rs2116910262, ClinGen allele CA368978051.